The following is an entry in ClinVar:

NM_000755.5(CRAT):c.1206-2A>G

Gene: CRAT (carnitine O-acetyltransferase; minus strand). Cytogenetic location: 9q34.11.
Variant type: single nucleotide variant.
Coding change: c.1206-2A>G on transcript NM_000755.5 (MANE Select); the canonical splice acceptor site of the intron before coding-DNA position 1206, A replaced by G.
Molecular consequence: splice acceptor variant.
Genome position (GRCh38, 1-based): chr9:129,098,373, T>C on the plus strand (A>G on the coding strand, the complement: CRAT is on the minus strand). VCF-style: chr9-129098373-T-C. GRCh37 (hg19) VCF-style: chr9-131860652-T-C.
Other names: c.1086-2A>G (NM_001346549.2); c.1206-2A>G (NM_001346547.2); c.1143-2A>G (NM_001346548.2, NM_001257363.3, NM_004003.4); c.1209-2A>G (NM_001346546.2).
Identifiers: ClinVar variation 1389695 (VCV001389695.6), dbSNP rs2131444921, ClinGen allele CA375141566.

ClinVar aggregate classification (germline): Uncertain significance (1 of 4 stars; one submission).

Submission:

Labcorp Genetics (formerly Invitae), Labcorp
Classification: Uncertain significance. Last evaluated: 2025-03-24. Review status: criteria provided, single submitter. Criteria: Invitae Variant Classification Sherloc (09022015). Collection method: clinical testing. Allele origin: germline.
Comment: This sequence change affects an acceptor splice site in intron 9 of the CRAT gene. It is expected to disrupt RNA splicing. Variants that disrupt the donor or acceptor splice site typically lead to a loss of protein function (PMID: 16199547), however the current clinical and genetic evidence is not sufficient to establish whether loss-of-function variants in CRAT cause disease. This variant is not present in population databases (gnomAD no frequency). This variant has not been reported in the literature in individuals affected with CRAT-related conditions. ClinVar contains an entry for this variant (Variation ID: 1389695). Algorithms developed to predict the effect of sequence changes on RNA splicing suggest that this variant may disrupt the consensus splice site. In summary, the available evidence is currently insufficient to determine the role of this variant in disease. Therefore, it has been classified as a Variant of Uncertain Significance.

Literature cited by the submitters: PubMed 16199547.